The following is an entry in ClinVar:

NM_001378615.1(CC2D2A):c.2025G>C (p.Glu675Asp)

Genes: CC2D2A (coiled-coil and C2 domain containing 2A; plus strand), FBXL5 (F-box and leucine rich repeat protein 5; minus strand). Cytogenetic location: 4p15.32.
Variant type: single nucleotide variant.
Coding change: c.2025G>C on transcript NM_001378615.1 (MANE Select); coding-DNA position 2025, G replaced by C.
Protein change: p.Glu675Asp; replaces glutamic acid 675 with aspartic acid.
Molecular consequence: missense variant.
Genome position (GRCh38, 1-based): chr4:15,540,858, G>C. VCF-style: chr4-15540858-G-C. GRCh37 (hg19) VCF-style: chr4-15542481-G-C.
Other names: c.2025G>C, p.Glu675Asp (NM_001080522.2); c.1878G>C, p.Glu626Asp (NM_001378617.1); short protein forms E675D, E626D.
Identifiers: ClinVar variation 1431909 (VCV001431909.9), dbSNP rs756383263, ClinGen allele CA2863828.
Genomic context (GRCh38, chr4:15,540,858, plus strand): 5'-TTATTACTAACTCCACCTGTGAATGGTCTCCTTTTGCAGAGCGGAGGTCTCGAGAAGGGA[G>C]GATGTAAAGAAGCGCTCAGTGTACTTAAAAGTGCTGTTCAACAACAAGGAGGTGTCCAGG-3'
Protein context (NP_001365544.1, residues 665-685): QCPRAEVSRR[Glu675Asp]DVKKRSVYLK

ClinVar aggregate classification (germline): Uncertain significance. Review status: criteria provided, multiple submitters, no conflicts (2 of 4 stars). 2 submissions from 2 submitters: Uncertain significance (2). Last evaluated 2025-01-23.

Conditions:
Inborn genetic diseases. Identifiers: MedGen C0950123, MeSH D030342.
Joubert syndrome. Also called: JOUBERT-BOLTSHAUSER SYNDROME; Familial aplasia of the vermis. Identifiers: Orphanet 475, MedGen C5979921, MONDO:0018772.
Meckel-Gruber syndrome. Also called: DYSENCEPHALIA SPLANCHNOCYSTICA; GRUBER SYNDROME; Dysencephalia splachnocystica. Identifiers: Orphanet 564, MedGen C0265215, MONDO:0018921.

Allele frequency attached by ClinVar (database versions not stated): gnomAD 0.00002; TOPMed 0.00003.
gnomAD v4.1: 6 of 1,600,750 alleles (0.00037%); highest among the groups gnomAD compares: African/African-American, 0.0067%; no homozygotes.

Submissions (2):

Ambry Genetics
Classification: Uncertain significance for Inborn genetic diseases. Last evaluated: 2025-01-23. Review status: criteria provided, single submitter. Criteria: Ambry Variant Classification Scheme 2023. Collection method: clinical testing. Allele origin: germline.

Labcorp Genetics (formerly Invitae), Labcorp
Classification: Uncertain significance for Joubert syndrome; Meckel-Gruber syndrome. Last evaluated: 2022-08-16. Review status: criteria provided, single submitter. Criteria: Invitae Variant Classification Sherloc (09022015). Collection method: clinical testing. Allele origin: germline.
Comment: This sequence change replaces glutamic acid, which is acidic and polar, with aspartic acid, which is acidic and polar, at codon 675 of the CC2D2A protein (p.Glu675Asp). This variant is present in population databases (rs756383263, gnomAD 0.01%). This variant has not been reported in the literature in individuals affected with CC2D2A-related conditions. ClinVar contains an entry for this variant (Variation ID: 1431909). Advanced modeling of protein sequence and biophysical properties (such as structural, functional, and spatial information, amino acid conservation, physicochemical variation, residue mobility, and thermodynamic stability) performed at Invitae indicates that this missense variant is not expected to disrupt CC2D2A protein function. In summary, the available evidence is currently insufficient to determine the role of this variant in disease. Therefore, it has been classified as a Variant of Uncertain Significance.